The following is an entry in ClinVar:

NM_000492.4(CFTR):c.1369G>C (p.Ala457Pro)

Genes: CFTR (CF transmembrane conductance regulator; plus strand), CFTR-AS1 (CFTR antisense RNA 1; minus strand). Cytogenetic location: 7q31.2.
Variant type: single nucleotide variant.
Coding change: c.1369G>C on transcript NM_000492.4 (MANE Select); coding-DNA position 1369, G replaced by C.
Protein change: p.Ala457Pro; replaces alanine 457 with proline.
Molecular consequence: missense variant.
Genome position (GRCh38, 1-based): chr7:117,548,800, G>C. VCF-style: chr7-117548800-G-C. GRCh37 (hg19) VCF-style: chr7-117188854-G-C.
Other names: short protein forms A457P.
Identifiers: ClinVar variation 554212 (VCV000554212.14), dbSNP rs1554382664, ClinGen allele CA368982464.

ClinVar aggregate classification (germline): Conflicting classifications of pathogenicity. Review status: criteria provided, conflicting classifications (1 of 4 stars). 7 submissions from 7 submitters: Pathogenic (1); Likely pathogenic (1); Uncertain significance (3). 2 of the submissions do not count toward it. Last evaluated 2024-12-17.

Conditions:
Cystic fibrosis (CF). Also called: MUCOVISCIDOSIS. Identifiers: Orphanet 586, MedGen C0010674, MONDO:0009061, OMIM 219700. Disease mechanism: loss of function.
CFTR-related disorder (CFTR-RD). Also called: CFTR-related disorders; CFTR-related condition. Identifiers: MedGen C5924204, MONDO:7770004.

Submissions (7):

Women's Health and Genetics/Laboratory Corporation of America, LabCorp
Classification: Pathogenic for Cystic fibrosis. Last evaluated: 2024-12-17. Review status: criteria provided, single submitter. Criteria: LabCorp Variant Classification Summary - May 2015. Collection method: clinical testing. Allele origin: germline.
Comment: Variant summary: CFTR c.1369G>C (p.Ala457Pro) results in a non-conservative amino acid change located in the P-loop containing nucleoside triphosphate hydrolase (IPR027417) of the encoded protein sequence. Five of five in-silico tools predict a damaging effect of the variant on protein function. The variant was absent in 243890 control chromosomes (gnomAD). c.1369G>C has been reported in the literature in individuals affected with Cystic Fibrosis (Cole_2011, Delgado_2018, Chen_2021, Shen_2022). These data indicate that the variant is likely to be associated with disease. At least one publication reports experimental evidence evaluating an impact on protein function. The most pronounced variant effect resulted in approximately 2% of normal chloride channel conductance relative to wild type (Bihler_2024) The following publications have been ascertained in the context of this evaluation (PMID: 22194755, 35858753, 29983195, 34557648, 38388235). ClinVar contains an entry for this variant (Variation ID: 554212). Based on the evidence outlined above, the variant was classified as pathogenic.

Ambry Genetics
Classification: Uncertain significance for Cystic fibrosis. Last evaluated: 2024-03-25. Review status: criteria provided, single submitter. Criteria: Ambry Variant Classification Scheme 2023. Collection method: clinical testing. Allele origin: germline.
Comment: The p.A457P variant (also known as c.1369G>C), located in coding exon 10 of the CFTR gene, results from a G to C substitution at nucleotide position 1369. The alanine at codon 457 is replaced by proline, an amino acid with highly similar properties. This variant has been identified in conjunction with another CFTR variant in an individual diagnosed with cystic fibrosis; however, the phase of the two variants was not specified (Cole KH et al. Case Rep Med, 2011 Dec;2011:903910). In an assay testing CFTR function, this variant showed a functionally abnormal result (Bihler H et al. J Cyst Fibros, 2024 Feb;:). This amino acid position is not well conserved in available vertebrate species. In addition, this alteration is predicted to be deleterious by in silico analysis. Based on the available evidence, the clinical significance of this alteration remains unclear.

Labcorp Genetics (formerly Invitae), Labcorp
Classification: Likely pathogenic for Cystic fibrosis. Last evaluated: 2023-07-15. Review status: criteria provided, single submitter. Criteria: Invitae Variant Classification Sherloc (09022015). Collection method: clinical testing. Allele origin: germline.
Comment: This variant is not present in population databases (gnomAD no frequency). This sequence change replaces alanine, which is neutral and non-polar, with proline, which is neutral and non-polar, at codon 457 of the CFTR protein (p.Ala457Pro). This missense change has been observed in individual(s) with cystic fibrosis (PMID: 22194755; Invitae). In summary, the currently available evidence indicates that the variant is pathogenic, but additional data are needed to prove that conclusively. Therefore, this variant has been classified as Likely Pathogenic. Advanced modeling of protein sequence and biophysical properties (such as structural, functional, and spatial information, amino acid conservation, physicochemical variation, residue mobility, and thermodynamic stability) performed at Invitae indicates that this missense variant is expected to disrupt CFTR protein function. ClinVar contains an entry for this variant (Variation ID: 554212).

Institute of Human Genetics, University of Leipzig Medical Center
Classification: Uncertain significance for Cystic fibrosis. Last evaluated: 2022-09-05. Review status: criteria provided, single submitter. Criteria: ACMG Guidelines, 2015. Collection method: curation. Allele origin: unknown. Affected: yes. Observed: 1 variant allele.
Comment: The variant was classified in the context of a project re-classifying variants in the German Cystic Fibrosis Registry (Muko.e.V.). Criteria applied: PM2_SUP, PM3, PP3, PP4

Genome-Nilou Lab
Classification: Uncertain significance for Cystic fibrosis. Last evaluated: 2021-09-05. Review status: criteria provided, single submitter. Criteria: ACMG Guidelines, 2015. Collection method: clinical testing. Allele origin: germline. Affected: no.

Natera, Inc.
Classification: Uncertain significance for CFTR-related disorders. Last evaluated: 2020-11-19. Review status: no assertion criteria provided. Collection method: clinical testing. Allele origin: germline. Not counted in ClinVar's aggregate classification.

Counsyl
Classification: Uncertain significance for Cystic fibrosis. Last evaluated: 2017-10-03. Review status: no assertion criteria provided. Collection method: clinical testing. Allele origin: unknown. Not counted in ClinVar's aggregate classification.

Literature cited by the submitters: PubMed 22194755 (cited by 4 submitters); PubMed 35858753 (cited by Women's Health and Genetics/Laboratory Corporation of America, LabCorp); PubMed 38388235 (cited by Women's Health and Genetics/Laboratory Corporation of America, LabCorp and Ambry Genetics); PubMed 34557648 (cited by Women's Health and Genetics/Laboratory Corporation of America, LabCorp); PubMed 29983195 (cited by Women's Health and Genetics/Laboratory Corporation of America, LabCorp).